The following is an entry in ClinVar:

ClinVar aggregate classification (germline): Uncertain significance (1 of 4 stars; one submission).

Conditions:
Combined immunodeficiency due to LRBA deficiency. Also called: Common variable immunodeficiency 8, with autoimmunity. Identifiers: Orphanet 445018, MedGen C3553512, MONDO:0013863, OMIM 614700.

Allele frequency attached by ClinVar (database versions not stated): gnomAD 0.00001; gnomAD exomes 0.00001 and 0.00002; TOPMed 0.00001; ExAC 0.00002.
gnomAD v4.1: 21 of 1,588,642 alleles (0.0013%); highest among the groups gnomAD compares: East Asian, 0.0045%; no homozygotes.

Submission:

Labcorp Genetics (formerly Invitae), Labcorp
Classification: Uncertain significance for Combined immunodeficiency due to LRBA deficiency. Last evaluated: 2025-08-21. Review status: criteria provided, single submitter. Criteria: Invitae Variant Classification Sherloc (09022015). Collection method: clinical testing. Allele origin: germline.
Comment: This sequence change replaces arginine, which is basic and polar, with cysteine, which is neutral and slightly polar, at codon 2203 of the LRBA protein (p.Arg2203Cys). This variant is present in population databases (rs200164280, gnomAD 0.004%). This missense change has been observed in individual(s) with clinical features of LRBA-related conditions (PMID: 36790564). ClinVar contains an entry for this variant (Variation ID: 650860). Invitae Evidence Modeling of protein sequence and biophysical properties (such as structural, functional, and spatial information, amino acid conservation, physicochemical variation, residue mobility, and thermodynamic stability) indicates that this missense variant is not expected to disrupt LRBA protein function with a negative predictive value of 80%. In summary, the available evidence is currently insufficient to determine the role of this variant in disease. Therefore, it has been classified as a Variant of Uncertain Significance.

Literature cited by the submitters: PubMed 36790564.

NM_001364905.1(LRBA):c.6574C>T (p.Arg2192Cys)

Gene: LRBA (LPS responsive beige-like anchor protein; minus strand). Cytogenetic location: 4q31.3.
Variant type: single nucleotide variant.
Coding change: c.6574C>T on transcript NM_001364905.1 (MANE Select); coding-DNA position 6574, C replaced by T.
Protein change: p.Arg2192Cys; replaces arginine 2192 with cysteine.
Molecular consequence: missense variant.
Genome position (GRCh38, 1-based): chr4:150,471,717, G>A on the plus strand (C>T on the coding strand, the complement: LRBA is on the minus strand). VCF-style: chr4-150471717-G-A. GRCh37 (hg19) VCF-style: chr4-151392869-G-A.
Other names: c.6574C>T, p.Arg2192Cys (NM_001199282.3, NM_001367550.1); c.6607C>T, p.Arg2203Cys (NM_006726.5); short protein forms R2203C, R2192C.
Identifiers: ClinVar variation 650860 (VCV000650860.9), dbSNP rs200164280, ClinGen allele CA3101870.